The following is an entry in ClinVar:

NM_002693.3(POLG):c.308G>C (p.Ser103Thr)

Genes: POLGARF (POLG alternative reading frame; minus strand), POLG (DNA polymerase gamma, catalytic subunit; minus strand). Cytogenetic location: 15q26.1.
Variant type: single nucleotide variant.
Coding change: c.308G>C on transcript NM_002693.3 (MANE Select); coding-DNA position 308, G replaced by C.
Protein change: p.Ser103Thr; replaces serine 103 with threonine.
Molecular consequence: missense variant.
Genome position (GRCh38, 1-based): chr15:89,333,447, C>G on the plus strand (G>C on the coding strand, the complement: POLG is on the minus strand). VCF-style: chr15-89333447-C-G. GRCh37 (hg19) VCF-style: chr15-89876678-C-G.
Other names: c.308G>C, p.Ser103Thr (NM_001126131.2); short protein forms S103T.
Identifiers: ClinVar variation 2733017 (VCV002733017.5), dbSNP rs763390241, ClinGen allele CA7725135.

ClinVar aggregate classification (germline): Uncertain significance. Review status: criteria provided, multiple submitters, no conflicts (2 of 4 stars). 3 submissions from 3 submitters: Uncertain significance (3). Last evaluated 2025-08-21.

Conditions:
Inborn genetic diseases. Identifiers: MedGen C0950123, MeSH D030342.
Progressive sclerosing poliodystrophy (MTDPS4A). Also called: ALPERS PROGRESSIVE INFANTILE POLIODYSTROPHY; NEURONAL DEGENERATION OF CHILDHOOD WITH LIVER DISEASE, PROGRESSIVE; Alpers Syndrome; ALPERS DIFFUSE DEGENERATION OF CEREBRAL GRAY MATTER WITH HEPATIC CIRRHOSIS; Alpers-Huttenlocher Syndrome; Mitochondrial DNA depletion syndrome 4A (Alpers type). Identifiers: Orphanet 726, MedGen C0205710, MONDO:0008758, OMIM 203700.

Allele frequency attached by ClinVar (database versions not stated): ExAC 0.00001; gnomAD 0.00001; gnomAD exomes 0.00001; TOPMed 0.00001.
gnomAD v4.1: 16 of 1,610,238 alleles (0.00099%); highest among the groups gnomAD compares: Non-Finnish European, 0.0013%; no homozygotes.

Submissions (3):

Ambry Genetics
Classification: Uncertain significance for Inborn genetic diseases. Last evaluated: 2025-08-21. Review status: criteria provided, single submitter. Criteria: Ambry Variant Classification Scheme 2023. Collection method: clinical testing. Allele origin: germline.

GeneDx
Classification: Uncertain significance. Last evaluated: 2025-06-16. Review status: criteria provided, single submitter. Criteria: GeneDx Variant Classification Process June 2021. Collection method: clinical testing. Allele origin: germline. Affected: yes.
Comment: Has not been previously published as pathogenic or benign to our knowledge; Not observed at significant frequency in large population cohorts (gnomAD); In silico analysis suggests that this missense variant does not alter protein structure/function

Labcorp Genetics (formerly Invitae), Labcorp
Classification: Uncertain significance for Progressive sclerosing poliodystrophy. Last evaluated: 2023-07-14. Review status: criteria provided, single submitter. Criteria: Invitae Variant Classification Sherloc (09022015). Collection method: clinical testing. Allele origin: germline.
Comment: In summary, the available evidence is currently insufficient to determine the role of this variant in disease. Therefore, it has been classified as a Variant of Uncertain Significance. This sequence change replaces serine, which is neutral and polar, with threonine, which is neutral and polar, at codon 103 of the POLG protein (p.Ser103Thr). This variant is present in population databases (rs763390241, gnomAD 0.0009%). This variant has not been reported in the literature in individuals affected with POLG-related conditions. Advanced modeling of protein sequence and biophysical properties (such as structural, functional, and spatial information, amino acid conservation, physicochemical variation, residue mobility, and thermodynamic stability) performed at Invitae indicates that this missense variant is expected to disrupt POLG protein function.